The following is an entry in ClinVar:

NM_001355436.2(SPTB):c.2303G>A (p.Gly768Asp)

Gene: SPTB (spectrin beta, erythrocytic; minus strand). Cytogenetic location: 14q23.3.
Variant type: single nucleotide variant.
Coding change: c.2303G>A on transcript NM_001355436.2 (MANE Select); coding-DNA position 2303, G replaced by A.
Protein change: p.Gly768Asp; replaces glycine 768 with aspartic acid.
Molecular consequence: missense variant.
Genome position (GRCh38, 1-based): chr14:64,793,360, C>T on the plus strand (G>A on the coding strand, the complement: SPTB is on the minus strand). VCF-style: chr14-64793360-C-T. GRCh37 (hg19) VCF-style: chr14-65260078-C-T.
Other names: c.2303G>A, p.Gly768Asp (NM_001024858.4, NM_001355437.2); c.2303G>A (NM_001024858.2); short protein forms G768D.
Identifiers: ClinVar variation 313748 (VCV000313748.19), dbSNP rs147712872, ClinGen allele CA7230900.

ClinVar aggregate classification (germline): Benign/Likely benign. Review status: criteria provided, multiple submitters, no conflicts (2 of 4 stars). 5 submissions from 5 submitters: Benign (1); Likely benign (4). Last evaluated 2025-12-16.

Conditions:
SPTB-related disorder. Also called: SPTB-related condition; SPTB-Related Disorders.

Allele frequency attached by ClinVar (database versions not stated): gnomAD exomes 0.00042 and 0.00149; gnomAD 0.00043 and 0.00066; TOPMed 0.00088; ExAC 0.00142; 1000 Genomes Project 0.00359; 1000 Genomes Project 30x 0.00359.
gnomAD v4.1: 729 of 1,612,188 alleles (0.045%); highest among the groups gnomAD compares: East Asian, 1.4%; 8 homozygotes.

Submissions (5):

Labcorp Genetics (formerly Invitae), Labcorp
Classification: Benign. Last evaluated: 2025-12-16. Review status: criteria provided, single submitter. Criteria: Invitae Variant Classification Sherloc (09022015). Collection method: clinical testing. Allele origin: germline.

ARUP Laboratories, Molecular Genetics and Genomics, ARUP Laboratories
Classification: Likely benign. Last evaluated: 2025-07-18. Review status: criteria provided, single submitter. Criteria: ARUP Molecular Germline Variant Investigation Process 2024. Collection method: clinical testing. Allele origin: germline.

PreventionGenetics, part of Exact Sciences
Classification: Likely benign for SPTB-related condition. Last evaluated: 2024-12-12. Review status: criteria provided, single submitter. Criteria: ACMG Guidelines, 2015. Collection method: clinical testing. Allele origin: germline.
Comment: This variant is classified as likely benign based on ACMG/AMP sequence variant interpretation guidelines (Richards et al. 2015 PMID: 25741868, with internal and published modifications).

Blueprint Genetics
Classification: Likely benign. Last evaluated: 2024-11-20. Review status: criteria provided, single submitter. Criteria: ACMG Guidelines, 2015. Collection method: clinical testing. Allele origin: germline.

Breakthrough Genomics
Classification: Likely benign. Review status: criteria provided, single submitter. Criteria: ACMG Guidelines, 2015. Collection method: not provided. Allele origin: germline. Inheritance: Autosomal dominant inheritance. Affected: yes.